The following is an entry in ClinVar:

ClinVar aggregate classification (germline): Uncertain significance (1 of 4 stars; one submission).

Submission:

Labcorp Genetics (formerly Invitae), Labcorp
Classification: Uncertain significance. Last evaluated: 2021-10-25. Review status: criteria provided, single submitter. Criteria: Invitae Variant Classification Sherloc (09022015). Collection method: clinical testing. Allele origin: germline.
Comment: This variant, c.3804_3806del, results in the deletion of 1 amino acid(s) of the SBF1 protein (p.Ser1269del), but otherwise preserves the integrity of the reading frame. This variant is present in population databases (rs779278293, ExAC 0.009%). This variant has not been reported in the literature in individuals affected with SBF1-related conditions. Experimental studies and prediction algorithms are not available or were not evaluated, and the functional significance of this variant is currently unknown. In summary, the available evidence is currently insufficient to determine the role of this variant in disease. Therefore, it has been classified as a Variant of Uncertain Significance.

NM_002972.4(SBF1):c.3801CTC[1] (p.Ser1269del)

Gene: SBF1 (SET binding factor 1; minus strand). Cytogenetic location: 22q13.33.
Variant type: Microsatellite.
Coding change: c.3801CTC[1] on transcript NM_002972.4 (MANE Select); one copy of the 3-base unit CTC starting at c.3801; the reference has two copies in a row; one copy, 3 bases deleted.
Protein change: p.Ser1269del; deletes serine 1269.
Molecular consequence: inframe deletion.
Genome position (GRCh38, 1-based): chr22:50,459,275-50,459,277, GAG deleted on the plus strand (CTC on the coding strand, the reverse complement: SBF1 is on the minus strand); deleting any 3 consecutive bases within chr22:50,459,275-50,459,280 gives the same sequence; the position shown is the placement nearest the transcript's 3' end. VCF-style (leftmost placement, unchanged base first): chr22-50459274-TGAG-T. GRCh37 (hg19) VCF-style: chr22-50897703-TGAG-T.
Other names: c.3804CTC[1], p.Ser1270del (NM_001365819.1); short protein forms S1269del, S1270del.
Identifiers: ClinVar variation 1390212 (VCV001390212.3), dbSNP rs779278293, ClinGen allele CA10316556.
Genomic context (GRCh38, chr22:50,459,274, plus strand): 5'-AAAGTGCCCCTGCCCCACCGTCTGCCCACAAGCACCCTCACCGTGACTGCCCATGTGGGC[TGAG>T]GAGAAGCCGCTAAGCGTGTTGCGTCCCGACGCGTCGGCGTAGCGGGGCATGGAGCTGACC-3'